The following is an entry in ClinVar:

ClinVar aggregate classification (germline): Uncertain significance. Review status: criteria provided, multiple submitters, no conflicts (2 of 4 stars). 3 submissions from 3 submitters: Uncertain significance (3). Last evaluated 2026-08-06.

Conditions:
Fanconi anemia complementation group J. Also called: BRIP1-Related Fanconi Anemia. Identifiers: Orphanet 84, MedGen C1836860, MONDO:0012187, OMIM 609054.
Familial cancer of breast. Also called: BREAST CANCER, FAMILIAL; hereditary breast carcinoma; Hereditary breast cancer. Identifiers: Orphanet 227535, MedGen C0346153, MONDO:0016419, OMIM 114480. Disease mechanism: loss of function.
Hereditary cancer-predisposing syndrome. Also called: Neoplastic Syndromes, Hereditary; Tumor predisposition; Hereditary neoplastic syndrome; Hereditary Cancer Syndrome. Identifiers: Orphanet 140162, MedGen C0027672, MeSH D009386, MONDO:0015356.

Submissions (3):

OLLIN Analises Genomicas, OLLIN
Classification: Uncertain significance for Familial cancer of breast. Last evaluated: 2026-08-06. Review status: criteria provided, single submitter. Criteria: ACMG Guidelines 2015 PMID 25741868. Collection method: clinical testing. Allele origin: germline.
Comment: This missense variant, located in exon 4 (of 20), is absent from gnomAD and has not been identified in the literature. However, it has been reported in ClinVar (accession VCV001492899.11). In silico analysis predicts that this variant has a tolerated effect. According to the currently available evidence, this variant has been classified as uncertain significance (PM2_P, BP4).

Labcorp Genetics (formerly Invitae), Labcorp
Classification: Uncertain significance for Familial cancer of breast; Fanconi anemia complementation group J. Last evaluated: 2024-09-17. Review status: criteria provided, single submitter. Criteria: Invitae Variant Classification Sherloc (09022015). Collection method: clinical testing. Allele origin: germline.
Comment: This sequence change replaces histidine, which is basic and polar, with tyrosine, which is neutral and polar, at codon 91 of the BRIP1 protein (p.His91Tyr). This variant is not present in population databases (gnomAD no frequency). This variant has not been reported in the literature in individuals affected with BRIP1-related conditions. ClinVar contains an entry for this variant (Variation ID: 1492899). Invitae Evidence Modeling of protein sequence and biophysical properties (such as structural, functional, and spatial information, amino acid conservation, physicochemical variation, residue mobility, and thermodynamic stability) indicates that this missense variant is expected to disrupt BRIP1 protein function with a positive predictive value of 80%. In summary, the available evidence is currently insufficient to determine the role of this variant in disease. Therefore, it has been classified as a Variant of Uncertain Significance.

Ambry Genetics
Classification: Uncertain significance for Hereditary cancer-predisposing syndrome. Last evaluated: 2020-12-09. Review status: criteria provided, single submitter. Criteria: Ambry Variant Classification Scheme 2023. Collection method: clinical testing. Allele origin: germline.
Comment: The p.H91Y variant (also known as c.271C>T), located in coding exon 3 of the BRIP1 gene, results from a C to T substitution at nucleotide position 271. The histidine at codon 91 is replaced by tyrosine, an amino acid with similar properties. This amino acid position is highly conserved in available vertebrate species. In addition, the in silico prediction for this alteration is inconclusive. Since supporting evidence is limited at this time, the clinical significance of this alteration remains unclear.

NM_032043.3(BRIP1):c.271C>T (p.His91Tyr)

Gene: BRIP1 (BRCA1 interacting DNA helicase 1; minus strand). Cytogenetic location: 17q23.2.
Variant type: single nucleotide variant.
Coding change: c.271C>T on transcript NM_032043.3 (MANE Select); coding-DNA position 271, C replaced by T.
Protein change: p.His91Tyr; replaces histidine 91 with tyrosine.
Molecular consequence: missense variant.
Genome position (GRCh38, 1-based): chr17:61,857,166, G>A on the plus strand (C>T on the coding strand, the complement: BRIP1 is on the minus strand). VCF-style: chr17-61857166-G-A. GRCh37 (hg19) VCF-style: chr17-59934527-G-A.
Other names: short protein forms H91Y.
Identifiers: ClinVar variation 1492899 (VCV001492899.12), dbSNP rs2145829433, ClinGen allele CA400485486.